The following is an entry in ClinVar:

ClinVar aggregate classification (germline): Pathogenic (1 of 4 stars; one submission).

Conditions:
Developmental and epileptic encephalopathy, 54. Also called: Epileptic encephalopathy, early infantile, 54; HNRNPU-Related Neurodevelopmental Disorder. Identifiers: MedGen C4479319, MONDO:0033363, OMIM 617391.

Submission:

Labcorp Genetics (formerly Invitae), Labcorp
Classification: Pathogenic for Developmental and epileptic encephalopathy, 54. Last evaluated: 2021-11-01. Review status: criteria provided, single submitter. Criteria: Invitae Variant Classification Sherloc (09022015). Collection method: clinical testing. Allele origin: germline.
Comment: This sequence change creates a premature translational stop signal (p.Gln738Thrfs*27) in the HNRNPU gene. It is expected to result in an absent or disrupted protein product. Loss-of-function variants in HNRNPU are known to be pathogenic (PMID: 22678713, 28283832). This variant is not present in population databases (gnomAD no frequency). This variant has not been reported in the literature in individuals affected with HNRNPU-related conditions. For these reasons, this variant has been classified as Pathogenic.

Literature cited by the submitters: PubMed 22678713; PubMed 28283832.

NM_031844.3(HNRNPU):c.2210dup (p.Gln738fs)

Gene: HNRNPU (heterogeneous nuclear ribonucleoprotein U; minus strand). Cytogenetic location: 1q44.
Variant type: Duplication.
Coding change: c.2210dup on transcript NM_031844.3 (MANE Select); coding-DNA position 2210, one base duplicated (C; older notation c.2210dupC).
Protein change: p.Gln738fs; shifts the reading frame from glutamine 738.
Molecular consequence: frameshift variant.
Genome position (GRCh38, 1-based): chr1:244,855,566, G duplicated on the plus strand (C on the coding strand, the reverse complement: HNRNPU is on the minus strand); the first of 2 consecutive G bases (chr1:244,855,566-244,855,567); duplicating either gives the same sequence. VCF-style (leftmost placement, unchanged base first): chr1-244855565-T-TG. GRCh37 (hg19) VCF-style: chr1-245018867-T-TG.
Other names: c.2153dup, p.Gln719fs (NM_004501.3); short protein forms Q738fs, Q719fs.
Identifiers: ClinVar variation 1434352 (VCV001434352.6), dbSNP rs2102985060, ClinGen allele CA2573132952.